The following is an entry in ClinVar:

ClinVar aggregate classification (germline): Likely benign (1 of 4 stars; one submission).

Conditions:
NADSYN1-related disorder. Also called: NADSYN1-related condition.

gnomAD v4.1: 478 of 1,614,088 alleles (0.03%); highest among the groups gnomAD compares: Non-Finnish European, 0.039%; no homozygotes.

Submission:

PreventionGenetics, part of Exact Sciences
Classification: Likely benign for NADSYN1-related condition. Last evaluated: 2026-07-07. Review status: criteria provided, single submitter. Criteria: ACMG Guidelines, 2015. Collection method: clinical testing. Allele origin: germline.
Comment: This variant is classified as likely benign based on ACMG/AMP sequence variant interpretation guidelines (Richards et al. 2015 PMID: 25741868, with internal and published modifications).

NM_018161.5(NADSYN1):c.1908G>C (p.Val636=)

Gene: NADSYN1 (NAD synthetase 1; plus strand). Cytogenetic location: 11q13.4.
Variant type: single nucleotide variant.
Coding change: c.1908G>C on transcript NM_018161.5 (MANE Select); coding-DNA position 1908, G replaced by C.
Protein change: p.Val636=; no amino-acid change (valine 636 retained).
Molecular consequence: synonymous variant.
Genome position (GRCh38, 1-based): chr11:71,498,366, G>C. VCF-style: chr11-71498366-G-C. GRCh37 (hg19) VCF-style: chr11-71209412-G-C.
Identifiers: ClinVar variation 4977845 (VCV004977845.1).